The following is an entry in ClinVar:

NM_005996.4(TBX3):c.142C>G (p.Pro48Ala)

Genes: TBX3 (T-box transcription factor 3; minus strand), TBX3-AS1 (TBX3 antisense RNA 1; plus strand). Cytogenetic location: 12q24.21.
Variant type: single nucleotide variant.
Coding change: c.142C>G on transcript NM_005996.4 (MANE Select); coding-DNA position 142, C replaced by G.
Protein change: p.Pro48Ala; replaces proline 48 with alanine.
Molecular consequence: missense variant.
Genome position (GRCh38, 1-based): chr12:114,683,059, G>C on the plus strand (C>G on the coding strand, the complement: TBX3 is on the minus strand). VCF-style: chr12-114683059-G-C. GRCh37 (hg19) VCF-style: chr12-115120864-G-C.
Other names: c.142C>G, p.Pro48Ala (NM_016569.4); short protein forms P48A.
Identifiers: ClinVar variation 4753519 (VCV004753519.1).
Genomic context (GRCh38, chr12:114,683,059, plus strand): 5'-ATTGATCCATGATCGGCTTGGCCAGGGCGCCCGGCAGCGAGAGCGCCGCCGCGCCGTTGG[G>C]AGGCAGCGTCAGCGCGGGGAAGAACGGCGGCTGGTGACCCAGCACCGCGCTCATGGCGAA-3'
Protein context (NP_005987.3, residues 38-58): PPFFPALTLP[Pro48Ala]NGAAALSLPG

ClinVar aggregate classification (germline): Uncertain significance (1 of 4 stars; one submission).

Conditions:
Ulnar-mammary syndrome (UMS). Also called: Ulnar-mammary syndrome of Pallister; PALLISTER ULNAR-MAMMARY SYNDROME; SCHINZEL SYNDROME. Identifiers: Orphanet 3138, MedGen C1866994, MONDO:0008411, OMIM 181450.

gnomAD v4.1: 2 of 1,609,536 alleles (0.00012%); highest among the groups gnomAD compares: East Asian, 0.0045%; no homozygotes.

Submission:

Labcorp Genetics (formerly Invitae), Labcorp
Classification: Uncertain significance for Ulnar-mammary syndrome. Last evaluated: 2026-01-14. Review status: criteria provided, single submitter. Criteria: Invitae Variant Classification Sherloc (09022015). Collection method: clinical testing. Allele origin: germline.
Comment: This sequence change replaces proline, which is neutral and non-polar, with alanine, which is neutral and non-polar, at codon 48 of the TBX3 protein (p.Pro48Ala). This variant is present in population databases (rs536946655, gnomAD 0.006%). This variant has not been reported in the literature in individuals affected with TBX3-related conditions. An algorithm developed to predict the effect of missense changes on protein structure and function (PolyPhen-2) suggests that this variant is likely to be disruptive. In summary, the available evidence is currently insufficient to determine the role of this variant in disease. Therefore, it has been classified as a Variant of Uncertain Significance.